The following is an entry in ClinVar:

NM_001375524.1(TRRAP):c.5445C>A (p.Thr1815=)

Gene: TRRAP (transformation/transcription domain associated protein; plus strand). Cytogenetic location: 7q22.1.
Variant type: single nucleotide variant.
Coding change: c.5445C>A on transcript NM_001375524.1 (MANE Select); coding-DNA position 5445, C replaced by A.
Protein change: p.Thr1815=; no amino-acid change (threonine 1815 retained).
Molecular consequence: synonymous variant.
Genome position (GRCh38, 1-based): chr7:98,950,986, C>A. VCF-style: chr7-98950986-C-A. GRCh37 (hg19) VCF-style: chr7-98548609-C-A.
Other names: c.5424C>A, p.Thr1808= (NM_001244580.2); c.5370C>A, p.Thr1790= (NM_003496.4).
Identifiers: ClinVar variation 3710317 (VCV003710317.3).
Genomic context (GRCh38, chr7:98,950,986, plus strand): 5'-GGAAGGAGAGCAGCTCTTGGGACCTCCCAATCCAGAAGGAGATAACCCAGAAAGCATCAC[C>A]AGTGTGTTTATTACCAAGGTGGTATCACTATGTGTGTGGGTGTGAGAAGTAGCCTGGCAT-3'
Protein context (NP_001362453.1, residues 1805-1825): NPEGDNPESI[Thr1815=]SVFITKVLDP

ClinVar aggregate classification (germline): Uncertain significance (1 of 4 stars; one submission).

gnomAD v4.1: 2 of 1,604,348 alleles (0.00012%); highest among the groups gnomAD compares: Admixed American, 0.0035%; no homozygotes.

Submissions (2):

Labcorp Genetics (formerly Invitae), Labcorp
Classification: Uncertain significance. Last evaluated: 2024-07-15. Review status: criteria provided, single submitter. Criteria: Invitae Variant Classification Sherloc (09022015). Collection method: clinical testing. Allele origin: germline.
Comment: This sequence change affects codon 1790 of the TRRAP mRNA. It is a 'silent' change, meaning that it does not change the encoded amino acid sequence of the TRRAP protein. This variant is not present in population databases (gnomAD no frequency). This variant has not been reported in the literature in individuals affected with TRRAP-related conditions. Algorithms developed to predict the effect of sequence changes on RNA splicing suggest that this variant may create or strengthen a splice site. In summary, the available evidence is currently insufficient to determine the role of this variant in disease. Therefore, it has been classified as a Variant of Uncertain Significance.

Dr. Peter K. Rogan Lab, Western University
No classification provided (evidence only). Condition: Thyroid cancer, nonmedullary, 1. Review status: no classification provided. Collection method: in vitro. Allele origin: not applicable. Functional consequence: retained intron. Not counted in ClinVar's aggregate classification.